The following is an entry in ClinVar:

NM_014989.7(RIMS1):c.1085C>T (p.Ala362Val)

Gene: RIMS1 (regulating synaptic membrane exocytosis 1; plus strand). Cytogenetic location: 6q13.
Variant type: single nucleotide variant.
Coding change: c.1085C>T on transcript NM_014989.7 (MANE Select); coding-DNA position 1085, C replaced by T.
Protein change: p.Ala362Val; replaces alanine 362 with valine.
Molecular consequence: missense variant.
Genome position (GRCh38, 1-based): chr6:72,182,556, C>T. VCF-style: chr6-72182556-C-T. GRCh37 (hg19) VCF-style: chr6-72892259-C-T.
Other names: short protein forms A362V.
Identifiers: ClinVar variation 2104946 (VCV002104946.4), dbSNP rs1044879996, ClinGen allele CA364820231.
Genomic context (GRCh38, chr6:72,182,556, plus strand): 5'-AGGAAAAGCAAAGAAAAGAGGAGGATTATCAGACCAGGTACCGCAGCGACCCGAACCTAG[C>T]TCGGTACCCGGTGAAACCGCCGCCTGAGGAGCAGCAGATGCGCATGCACGCCCGGGTGTC-3'
Protein context (NP_055804.2, residues 352-372): QTRYRSDPNL[Ala362Val]RYPVKPPPEE

ClinVar aggregate classification (germline): Uncertain significance (1 of 4 stars; one submission).

gnomAD v4.1: 3 of 1,551,344 alleles (0.00019%); highest among the groups gnomAD compares: Admixed American, 0.0059%; no homozygotes.

Submission:

Labcorp Genetics (formerly Invitae), Labcorp
Classification: Uncertain significance. Last evaluated: 2023-11-06. Review status: criteria provided, single submitter. Criteria: Invitae Variant Classification Sherloc (09022015). Collection method: clinical testing. Allele origin: germline.
Comment: This sequence change replaces alanine, which is neutral and non-polar, with valine, which is neutral and non-polar, at codon 362 of the RIMS1 protein (p.Ala362Val). This variant is present in population databases (no rsID available, gnomAD 0.01%). This variant has not been reported in the literature in individuals affected with RIMS1-related conditions. ClinVar contains an entry for this variant (Variation ID: 2104946). An algorithm developed to predict the effect of missense changes on protein structure and function (PolyPhen-2) suggests that this variant is likely to be disruptive. In summary, the available evidence is currently insufficient to determine the role of this variant in disease. Therefore, it has been classified as a Variant of Uncertain Significance.